The following is an entry in ClinVar:

ClinVar aggregate classification (germline): Pathogenic. Review status: criteria provided, multiple submitters, no conflicts (2 of 4 stars). 5 submissions from 5 submitters: Pathogenic (4). 1 of the submissions does not count toward it. Last evaluated 2024-10-31.

Conditions:
SDHB-related disorder. Also called: SDHB-related condition; SDHB-related disorders. Identifiers: MedGen CN239418.
Pheochromocytoma/paraganglioma syndrome 4. Also called: CAROTID BODY TUMORS AND MULTIPLE EXTRAADRENAL PHEOCHROMOCYTOMAS; PARAGANGLIOMA, FAMILIAL MALIGNANT; PARAGANGLIOMAS, HEREDITARY EXTRAADRENAL; Paragangliomas 4; PHEOCHROMOCYTOMA, FAMILIAL EXTRAADRENAL; SDHB-Related Hereditary Paraganglioma-Pheochromocytoma Syndrome (Paragangliomas 4). Identifiers: Orphanet 29072, MedGen C1861848, MONDO:0007273, OMIM 115310.
Gastrointestinal stromal tumor. Also called: Gastrointestinal stromal tumor, somatic; Gastrointestinal stroma tumor. Identifiers: Orphanet 44890, MedGen C0238198, MeSH D046152, MONDO:0011719, OMIM 606764, HP:0100723.
Pheochromocytoma. Also called: MAX-Related Hereditary Paraganglioma-Pheochromocytoma Syndrome. Identifiers: Orphanet 29072, MedGen C0031511, MONDO:0008233, OMIM 171300, HP:0002666.
Hereditary cancer-predisposing syndrome. Also called: Hereditary Cancer Syndrome; Hereditary neoplastic syndrome; Neoplastic Syndromes, Hereditary; Tumor predisposition. Identifiers: Orphanet 140162, MedGen C0027672, MeSH D009386, MONDO:0015356.
Hereditary pheochromocytoma and paraganglioma. Also called: Hereditary pheochromocytoma-paraganglioma; Hereditary paragangliomas and pheochromocytomas; Hereditary Paraganglioma-Pheochromocytoma Syndromes. Identifiers: Orphanet 29072, MedGen C4274332, MONDO:0017366.

Submissions (5):

Labcorp Genetics (formerly Invitae), Labcorp
Classification: Pathogenic for Gastrointestinal stromal tumor; Pheochromocytoma/paraganglioma syndrome 4; Pheochromocytoma. Last evaluated: 2024-10-31. Review status: criteria provided, single submitter. Criteria: Invitae Variant Classification Sherloc (09022015). Collection method: clinical testing. Allele origin: germline.
Comment: This sequence change creates a premature translational stop signal (p.Glu228Glyfs*27) in the SDHB gene. While this is not anticipated to result in nonsense mediated decay, it is expected to disrupt the last 53 amino acid(s) of the SDHB protein. This variant is present in population databases (rs762812025, gnomAD 0.0009%). This premature translational stop signal has been observed in individuals with malignant paraganglioma (PMID: 16912137, 24694336). This variant disrupts a region of the SDHB protein in which other variant(s) (p.Ser239Tyrfs*8) have been determined to be pathogenic (PMID: 15328326; internal data). This suggests that this is a clinically significant region of the protein, and that variants that disrupt it are likely to be disease-causing. For these reasons, this variant has been classified as Pathogenic.

Ambry Genetics
Classification: Pathogenic for Hereditary cancer-predisposing syndrome. Last evaluated: 2024-04-03. Review status: criteria provided, single submitter. Criteria: Ambry Variant Classification Scheme 2023. Collection method: clinical testing. Allele origin: germline.
Comment: The c.683_684delAG pathogenic mutation, located in coding exon 7 of the SDHB gene, results from a deletion of two nucleotides at nucleotide positions 683 to 684, causing a translational frameshift with a predicted alternate stop codon (p.E228Gfs*27). This alteration has been seen in multiple patients with paragangliomas (Brouwers FM et al. J. Clin. Endocrinol. Metab. 2006 Nov;91:4505-9; Timmers HJ et al. J. Clin. Endocrinol. Metab. 2007 Mar;92:779-86; Welander J et al. J. Clin. Endocrinol. Metab. 2014 Jul;99:E1352-60; Sue M et al. Eur. J. Endocrinol. 2015 Feb;172:89-95; Jochmanova I et al. J. Cancer Res. Clin. Oncol. 2017 Aug;143:1421-1435). This alteration is expected to result in loss of function by premature protein truncation. As such, this alteration is interpreted as a disease-causing mutation.

Clinical Genetics Laboratory, Skane University Hospital Lund
Classification: Pathogenic. Last evaluated: 2024-01-12. Review status: criteria provided, single submitter. Criteria: ACMG Guidelines, 2015. Collection method: clinical testing. Allele origin: germline. Affected: yes.

Blueprint Genetics
Classification: Pathogenic for SDHB-related disorders. Last evaluated: 2023-12-27. Review status: criteria provided, single submitter. Criteria: ACMG Guidelines, 2015. Collection method: clinical testing. Allele origin: germline. Affected: yes. Observed: 5 variant alleles.

Section on Medical Neuroendocrinolgy, National Institutes of Health
Classification: Pathogenic for Hereditary pheochromocytoma and paraganglioma. Review status: no assertion criteria provided. Collection method: research. Allele origin: germline. Affected: yes. Not counted in ClinVar's aggregate classification.

Literature cited by the submitters: PubMed 16912137 (cited by Labcorp Genetics (formerly Invitae), Labcorp and Ambry Genetics); PubMed 24694336 (cited by Labcorp Genetics (formerly Invitae), Labcorp and Ambry Genetics); PubMed 15328326 (cited by Labcorp Genetics (formerly Invitae), Labcorp); PubMed 17200167 (cited by Ambry Genetics); PubMed 25371406 (cited by Ambry Genetics); PubMed 28374168 (cited by Ambry Genetics).

NM_003000.3(SDHB):c.683_684del (p.Glu228fs)

Gene: SDHB (succinate dehydrogenase complex iron sulfur subunit B; minus strand). Cytogenetic location: 1p36.13.
Variant type: Microsatellite.
Coding change: c.683_684del on transcript NM_003000.3 (MANE Select); coding-DNA positions 683 to 684, 2 bases deleted (AG; older notation c.683_684delAG).
Protein change: p.Glu228fs; shifts the reading frame from glutamic acid 228.
Molecular consequence: frameshift variant.
Genome position (GRCh38, 1-based): chr1:17,022,689-17,022,690, CT deleted on the plus strand (AG on the coding strand, the reverse complement: SDHB is on the minus strand); deleting any 2 consecutive bases within chr1:17,022,689-17,022,692 gives the same sequence; the c. name uses the placement nearest the transcript's 3' end. VCF-style (leftmost placement, unchanged base first): chr1-17022688-CCT-C. GRCh37 (hg19) VCF-style: chr1-17349183-CCT-C.
Other names: c.683_684delAG (NM_003000.2); short protein forms E228fs.
Identifiers: ClinVar variation 438428 (VCV000438428.15), dbSNP rs762812025, ClinGen allele CA089708.